The following is an entry in ClinVar:

ClinVar aggregate classification (germline): Benign/Likely benign. Review status: criteria provided, multiple submitters, no conflicts (2 of 4 stars). 5 submissions from 5 submitters: Benign (2); Likely benign (2). 1 of the submissions does not count toward it. Last evaluated 2026-01-27.

Conditions:
Corticosterone methyl oxidase type II deficiency.

Allele frequency attached by ClinVar (database versions not stated): gnomAD 0.00571 and 0.00605; 1000 Genomes Project 30x 0.00656; gnomAD exomes 0.00171; ExAC 0.00273.
gnomAD v4.1: 1,630 of 1,611,862 alleles (0.1%); highest among the groups gnomAD compares: African/African-American, 1.9%; 22 homozygotes.

Submissions (5):

Labcorp Genetics (formerly Invitae), Labcorp
Classification: Benign. Last evaluated: 2026-01-27. Review status: criteria provided, single submitter. Criteria: Invitae Variant Classification Sherloc (09022015). Collection method: clinical testing. Allele origin: germline.

Mayo Clinic Laboratories, Mayo Clinic
Classification: Benign. Last evaluated: 2024-12-03. Review status: criteria provided, single submitter. Criteria: ACMG Guidelines, 2015. Collection method: clinical testing. Allele origin: germline. Observed: 2 variant alleles.
Comment: BS1, BS2, BP4, BP7

GeneDx
Classification: Likely benign. Last evaluated: 2021-01-18. Review status: criteria provided, single submitter. Criteria: GeneDx Variant Classification Process June 2021. Collection method: clinical testing. Allele origin: germline. Affected: yes.

Breakthrough Genomics
Classification: Likely benign. Review status: criteria provided, single submitter. Criteria: ACMG Guidelines, 2015. Collection method: not provided. Allele origin: germline. Inheritance: Autosomal recessive inheritance. Affected: yes.

Natera, Inc.
Classification: Benign for Corticosterone methyl oxidase type II deficiency. Last evaluated: 2020-09-16. Review status: no assertion criteria provided. Collection method: clinical testing. Allele origin: germline. Not counted in ClinVar's aggregate classification.

NM_000498.3(CYP11B2):c.825C>T (p.Tyr275=)

Genes: CYP11B2 (cytochrome P450 family 11 subfamily B member 2; minus strand), LOC106799834 (CYP11B2 recombination region; plus strand). Cytogenetic location: 8q24.3.
Variant type: single nucleotide variant.
Coding change: c.825C>T on transcript NM_000498.3 (MANE Select); coding-DNA position 825, C replaced by T.
Protein change: p.Tyr275=; no amino-acid change (tyrosine 275 retained).
Molecular consequence: synonymous variant.
Genome position (GRCh38, 1-based): chr8:142,914,393, G>A on the plus strand (C>T on the coding strand, the complement: CYP11B2 is on the minus strand). VCF-style: chr8-142914393-G-A. GRCh37 (hg19) VCF-style: chr8-143995809-G-A.
Other names: p.Tyr275=.
Identifiers: ClinVar variation 718479 (VCV000718479.15), dbSNP rs5310, ClinGen allele CA4906058.